The following is an entry in ClinVar:

ClinVar aggregate classification (germline): Uncertain significance. Review status: criteria provided, multiple submitters, no conflicts (2 of 4 stars). 3 submissions from 3 submitters: Uncertain significance (3). Last evaluated 2024-11-14.

Conditions:
Hereditary cancer-predisposing syndrome. Also called: Neoplastic Syndromes, Hereditary; Tumor predisposition; Hereditary neoplastic syndrome; Hereditary Cancer Syndrome. Identifiers: Orphanet 140162, MedGen C0027672, MeSH D009386, MONDO:0015356.
Intellectual disability, autosomal dominant 16 (CSS4). Also called: COFFIN-SIRIS SYNDROME 4. Identifiers: Orphanet 1465, MedGen C3553249, MONDO:0013821, OMIM 614609.
Rhabdoid tumor predisposition syndrome 2 (RTPS2). Identifiers: Orphanet 231108, Orphanet 69077, MedGen C2750074, MONDO:0013224, OMIM 613325.

Allele frequency attached by ClinVar (database versions not stated): gnomAD exomes below 0.00001; ExAC 0.00001; 1000 Genomes Project 30x 0.00016; 1000 Genomes Project 0.00020.

Submissions (3):

Ambry Genetics
Classification: Uncertain significance for Hereditary cancer-predisposing syndrome. Last evaluated: 2024-11-14. Review status: criteria provided, single submitter. Criteria: Ambry Variant Classification Scheme 2023. Collection method: clinical testing. Allele origin: germline.
Comment: The p.A1117S variant (also known as c.3349G>T), located in coding exon 23 of the SMARCA4 gene, results from a G to T substitution at nucleotide position 3349. The alanine at codon 1117 is replaced by serine, an amino acid with similar properties. This amino acid position is highly conserved in available vertebrate species. In addition, the in silico prediction for this alteration is inconclusive. Based on the available evidence, the clinical significance of this variant remains unclear.

Labcorp Genetics (formerly Invitae), Labcorp
Classification: Uncertain significance for Rhabdoid tumor predisposition syndrome 2. Last evaluated: 2024-08-07. Review status: criteria provided, single submitter. Criteria: Invitae Variant Classification Sherloc (09022015). Collection method: clinical testing. Allele origin: germline.
Comment: This sequence change replaces alanine, which is neutral and non-polar, with serine, which is neutral and polar, at codon 1117 of the SMARCA4 protein (p.Ala1117Ser). This variant is present in population databases (rs548906832, gnomAD 0.0009%). This variant has not been reported in the literature in individuals affected with SMARCA4-related conditions. ClinVar contains an entry for this variant (Variation ID: 823643). Advanced modeling of protein sequence and biophysical properties (such as structural, functional, and spatial information, amino acid conservation, physicochemical variation, residue mobility, and thermodynamic stability) performed at Invitae indicates that this missense variant is not expected to disrupt SMARCA4 protein function with a negative predictive value of 95%. In summary, the available evidence is currently insufficient to determine the role of this variant in disease. Therefore, it has been classified as a Variant of Uncertain Significance.

Genome-Nilou Lab
Classification: Uncertain significance for Intellectual disability, autosomal dominant 16. Last evaluated: 2021-07-15. Review status: criteria provided, single submitter. Criteria: ACMG Guidelines, 2015. Collection method: clinical testing. Allele origin: germline. Affected: no.

NM_003072.5(SMARCA4):c.3349G>T (p.Ala1117Ser)

Gene: SMARCA4 (SWI/SNF related BAF chromatin remodeling complex subunit ATPase 4; plus strand). Cytogenetic location: 19p13.2.
Variant type: single nucleotide variant.
Coding change: c.3349G>T on transcript NM_003072.5 (MANE Select); coding-DNA position 3349, G replaced by T.
Protein change: p.Ala1117Ser; replaces alanine 1117 with serine.
Molecular consequence: missense variant. On other transcripts: non-coding transcript variant (1).
Genome position (GRCh38, 1-based): chr19:11,027,917, G>T. VCF-style: chr19-11027917-G-T. GRCh37 (hg19) VCF-style: chr19-11138593-G-T.
Other names: c.3349G>T, p.Ala1117Ser (NM_001128844.3, NM_001128845.2, NM_001128846.2 and 4 more transcripts); short protein forms A1117S.
Identifiers: ClinVar variation 823643 (VCV000823643.16), dbSNP rs548906832, ClinGen allele CA9204387.